The following is an entry in ClinVar:

ClinVar aggregate classification (germline): Uncertain significance. Review status: criteria provided, multiple submitters, no conflicts (2 of 4 stars). 6 submissions from 6 submitters: Uncertain significance (6). Last evaluated 2025-11-28.

Conditions:
Inborn genetic diseases. Identifiers: MedGen C0950123, MeSH D030342.

Allele frequency attached by ClinVar (database versions not stated): ExAC 0.00005; ESP Exome Variant Server 0.00015; 1000 Genomes Project 0.00020; TOPMed 0.00008; gnomAD exomes 0.00004; 1000 Genomes Project 30x 0.00016.
gnomAD v4.1: 84 of 1,608,612 alleles (0.0052%); highest among the groups gnomAD compares: Admixed American, 0.012%; no homozygotes.

Submissions (6):

Mayo Clinic Laboratories, Mayo Clinic
Classification: Uncertain significance. Last evaluated: 2025-11-28. Review status: criteria provided, single submitter. Criteria: ACMG Guidelines, 2015. Collection method: clinical testing. Allele origin: germline. Observed: 1 variant allele.
Comment: BP4_moderate

Labcorp Genetics (formerly Invitae), Labcorp
Classification: Uncertain significance. Last evaluated: 2025-08-17. Review status: criteria provided, single submitter. Criteria: Invitae Variant Classification Sherloc (09022015). Collection method: clinical testing. Allele origin: germline.
Comment: This sequence change replaces threonine, which is neutral and polar, with isoleucine, which is neutral and non-polar, at codon 9 of the ACO2 protein (p.Thr9Ile). This variant is present in population databases (rs146048865, gnomAD 0.009%). This variant has not been reported in the literature in individuals affected with ACO2-related conditions. ClinVar contains an entry for this variant (Variation ID: 1019555). An algorithm developed to predict the effect of missense changes on protein structure and function (PolyPhen-2) suggests that this variant is likely to be tolerated. In summary, the available evidence is currently insufficient to determine the role of this variant in disease. Therefore, it has been classified as a Variant of Uncertain Significance.

Blueprint Genetics
Classification: Uncertain significance. Last evaluated: 2024-09-19. Review status: criteria provided, single submitter. Criteria: ACMG Guidelines, 2015. Collection method: clinical testing. Allele origin: germline.

Ambry Genetics
Classification: Uncertain significance for Inborn genetic diseases. Last evaluated: 2024-06-13. Review status: criteria provided, single submitter. Criteria: Ambry Variant Classification Scheme 2023. Collection method: clinical testing. Allele origin: germline.

GeneDx
Classification: Uncertain significance. Last evaluated: 2024-01-02. Review status: criteria provided, single submitter. Criteria: GeneDx Variant Classification Process June 2021. Collection method: clinical testing. Allele origin: germline. Affected: yes.
Comment: Has not been previously published as pathogenic or benign to our knowledge; Not observed at significant frequency in large population cohorts (gnomAD); In silico analysis supports that this missense variant does not alter protein structure/function

Breakthrough Genomics
Classification: Uncertain significance. Review status: criteria provided, single submitter. Criteria: ACMG Guidelines, 2015. Collection method: not provided. Allele origin: germline. Inheritance: Autosomal dominant inheritance. Affected: yes.

NM_001098.3(ACO2):c.26C>T (p.Thr9Ile)

Gene: ACO2 (aconitase 2; plus strand). Cytogenetic location: 22q13.2.
Variant type: single nucleotide variant.
Coding change: c.26C>T on transcript NM_001098.3 (MANE Select); coding-DNA position 26, C replaced by T.
Protein change: p.Thr9Ile; replaces threonine 9 with isoleucine.
Molecular consequence: missense variant.
Genome position (GRCh38, 1-based): chr22:41,469,172, C>T. VCF-style: chr22-41469172-C-T. GRCh37 (hg19) VCF-style: chr22-41865176-C-T.
Other names: p.Thr9Ile; c.26C>T (NM_001098.2); short protein forms T9I.
Identifiers: ClinVar variation 1019555 (VCV001019555.14), dbSNP rs146048865, ClinGen allele CA10257239.
Genomic context (GRCh38, chr22:41,469,172, plus strand): 5'-ACTTTAATGCGACCTCATCTTTGTCAGTGCACAAAATGGCGCCCTACAGCCTACTGGTGA[C>T]TCGGCTGCAGGTGAGCGAGCTCAGGGACCTCTGGGTTCACGGGGGCGGGGTGCCTCCTAC-3'
Protein context (NP_001089.1, residues 1-19): MAPYSLLV[Thr9Ile]RLQKALGVRQ